The following is an entry in ClinVar:

NM_001267550.2(TTN):c.69005C>T (p.Ser23002Phe)

Genes: TTN (titin; minus strand), TTN-AS1 (TTN antisense RNA 1; plus strand). Cytogenetic location: 2q31.2.
Variant type: single nucleotide variant.
Coding change: c.69005C>T on transcript NM_001267550.2 (MANE Select); coding-DNA position 69005, C replaced by T.
Protein change: p.Ser23002Phe; replaces serine 23002 with phenylalanine.
Molecular consequence: missense variant.
Genome position (GRCh38, 1-based): chr2:178,577,330, G>A on the plus strand (C>T on the coding strand, the complement: TTN is on the minus strand). VCF-style: chr2-178577330-G-A. GRCh37 (hg19) VCF-style: chr2-179442057-G-A.
Other names: c.64082C>T, p.Ser21361Phe (NM_001256850.1); c.41810C>T, p.Ser13937Phe (NM_003319.4); c.61301C>T, p.Ser20434Phe (NM_133378.4); c.42185C>T, p.Ser14062Phe (NM_133432.3); c.42386C>T, p.Ser14129Phe (NM_133437.4); short protein forms S13937F, S14062F, S14129F, S20434F, S21361F, S23002F.
Identifiers: ClinVar variation 3902988 (VCV003902988.1).

ClinVar aggregate classification (germline): Uncertain significance (1 of 4 stars; one submission).

gnomAD v4.1: 5 of 1,612,860 alleles (0.00031%); highest among the groups gnomAD compares: South Asian, 0.0044%; no homozygotes.

Submission:

GeneDx
Classification: Uncertain significance. Last evaluated: 2024-12-11. Review status: criteria provided, single submitter. Criteria: GeneDx Variant Classification Process June 2021. Collection method: clinical testing. Allele origin: germline. Affected: yes.
Comment: Not observed at significant frequency in large population cohorts (gnomAD); Missense variant in a gene in which most reported pathogenic variants are truncating/loss of function; Has not been previously published as pathogenic or benign to our knowledge